The following is an entry in ClinVar:

NM_000136.3(FANCC):c.710C>T (p.Ser237Leu)

Genes: AOPEP (aminopeptidase O (putative); plus strand), FANCC (FA complementation group C; minus strand). Cytogenetic location: 9q22.32.
Variant type: single nucleotide variant.
Coding change: c.710C>T on transcript NM_000136.3 (MANE Select); coding-DNA position 710, C replaced by T.
Protein change: p.Ser237Leu; replaces serine 237 with leucine.
Molecular consequence: missense variant.
Genome position (GRCh38, 1-based): chr9:95,135,479, G>A on the plus strand (C>T on the coding strand, the complement: FANCC is on the minus strand). VCF-style: chr9-95135479-G-A. GRCh37 (hg19) VCF-style: chr9-97897761-G-A.
Other names: p.S237L:TCA>TTA; c.710C>T, p.Ser237Leu (NM_001243743.2, NM_001243744.2); short protein forms S237L.
Identifiers: ClinVar variation 182475 (VCV000182475.4), dbSNP rs730881715, ClinGen allele CA299154.
Genomic context (GRCh38, chr9:95,135,479, plus strand): 5'-AGATGCAGCATTGCTTTTTCAAGGCTGGGAAGGTGCCGAAGCCAGAGGCAGACTACAGCT[G>A]ACATGGGGAGAGAAATCTTCTTCCTTTCAGAAAGAAATAAACAAAATTTTAAACAGAAAT-3'
Protein context (NP_000127.2, residues 227-247): ILLKKISLPM[Ser237Leu]AVVCLWLRHL

ClinVar aggregate classification (germline): Uncertain significance. Review status: criteria provided, multiple submitters, no conflicts (2 of 4 stars). 2 submissions from 2 submitters: Uncertain significance (2). Last evaluated 2023-05-21.

Conditions:
Hereditary cancer-predisposing syndrome. Also called: Tumor predisposition; Hereditary Cancer Syndrome; Hereditary neoplastic syndrome; Neoplastic Syndromes, Hereditary. Identifiers: Orphanet 140162, MedGen C0027672, MeSH D009386, MONDO:0015356.

Allele frequency attached by ClinVar (database versions not stated): gnomAD exomes below 0.00001.
gnomAD v4.1: 1 of 1,614,018 alleles (0.000062%); highest among the groups gnomAD compares: Non-Finnish European, 0.000085%; no homozygotes.

Submissions (2):

Ambry Genetics
Classification: Uncertain significance for Hereditary cancer-predisposing syndrome. Last evaluated: 2023-05-21. Review status: criteria provided, single submitter. Criteria: Ambry Variant Classification Scheme 2023. Collection method: clinical testing. Allele origin: germline.
Comment: The p.S237L variant (also known as c.710C>T), located in coding exon 7 of the FANCC gene, results from a C to T substitution at nucleotide position 710. The serine at codon 237 is replaced by leucine, an amino acid with dissimilar properties. This amino acid position is conserved. In addition, this alteration is predicted to be tolerated by in silico analysis. Since supporting evidence is limited at this time, the clinical significance of this alteration remains unclear.

GeneDx
Classification: Uncertain significance. Last evaluated: 2014-07-25. Review status: criteria provided, single submitter. Criteria: GeneDx Variant Classification (06012015). Collection method: clinical testing. Allele origin: germline. Affected: yes.
Comment: This variant is denoted FANCC c.710C>T at the cDNA level, p.Ser237Leu (S237L) at the protein level, and results in the change of a Serine to a Leucine (TCA>TTA). This variant has not, to our knowledge, been published in the literature as pathogenic or benign. FANCC Ser237Leu was not observed in approximately 6,500 individuals of European and African American ancestry in the NHLBI Exome Sequencing Project, indicating it is not a common benign variant in these populations. Since Serine and Leucine differ in polarity, charge, size or other properties, this is considered a non-conservative amino acid substitution. FANCC Ser237Leu occurs at a position that is moderately conserved across species and is located in region of interaction GRP94 and Hsp70 (Gordon 2000). In silico analyses predict that this variant is unlikely to alter protein structure or function. Based on currently available information, it is unclear whether FANCC Ser237Leu is pathogenic or benign. We consider it to be a variant of uncertain significance.